The following is an entry in ClinVar:

ClinVar aggregate classification (germline): Uncertain significance (1 of 4 stars; one submission).

Conditions:
Hereditary cancer-predisposing syndrome. Also called: Neoplastic Syndromes, Hereditary; Tumor predisposition; Hereditary Cancer Syndrome; Hereditary neoplastic syndrome. Identifiers: Orphanet 140162, MedGen C0027672, MeSH D009386, MONDO:0015356.

Submission:

Ambry Genetics
Classification: Uncertain significance for Hereditary cancer-predisposing syndrome. Last evaluated: 2022-10-12. Review status: criteria provided, single submitter. Criteria: Ambry Variant Classification Scheme 2023. Collection method: clinical testing. Allele origin: germline.
Comment: The p.A1163V variant (also known as c.3488C>T), located in coding exon 17 of the BLM gene, results from a C to T substitution at nucleotide position 3488. The alanine at codon 1163 is replaced by valine, an amino acid with similar properties. This amino acid position is conserved. In addition, this alteration is predicted to be tolerated by in silico analysis. Since supporting evidence is limited at this time, the clinical significance of this alteration remains unclear.

NM_000057.4(BLM):c.3488C>T (p.Ala1163Val)

Gene: BLM (BLM RecQ like helicase; plus strand). Cytogenetic location: 15q26.1.
Variant type: single nucleotide variant.
Coding change: c.3488C>T on transcript NM_000057.4 (MANE Select); coding-DNA position 3488, C replaced by T.
Protein change: p.Ala1163Val; replaces alanine 1163 with valine.
Molecular consequence: missense variant. On other transcripts: intron variant (1).
Genome position (GRCh38, 1-based): chr15:90,803,650, C>T. VCF-style: chr15-90803650-C-T. GRCh37 (hg19) VCF-style: chr15-91346880-C-T.
Other names: c.3488C>T, p.Ala1163Val (NM_001287246.2); c.2363C>T, p.Ala788Val (NM_001287248.2); c.3358+5313C>T (NM_001287247.2); short protein forms A1163V, A788V.
Identifiers: ClinVar variation 1731893 (VCV001731893.2), dbSNP rs2151194333, ClinGen allele CA393847712.
Genomic context (GRCh38, chr15:90,803,650, plus strand): 5'-AAAGACTTTTTAAAAAGCTGATACTTGACAAGATTTTGGATGAAGACTTATATATCAATG[C>T]CAATGACCAGGCGATCGCTTATGTGATGCTCGGAAATAAAGCCCAAACTGTACTAAATGG-3'
Protein context (NP_000048.1, residues 1153-1173): KILDEDLYIN[Ala1163Val]NDQAIAYVML